The following is an entry in ClinVar:

ClinVar aggregate classification (germline): Uncertain significance (1 of 4 stars; one submission).

Conditions:
Early-infantile DEE. Also called: Early infantile epileptic encephalopathy; Early infantile epileptic encephalopathy with suppression bursts; Ohtahara syndrome. Identifiers: Orphanet 1934, MedGen C0393706, MONDO:0800491.

Submission:

Labcorp Genetics (formerly Invitae), Labcorp
Classification: Uncertain significance for Early-infantile DEE. Last evaluated: 2025-09-08. Review status: criteria provided, single submitter. Criteria: Invitae Variant Classification Sherloc (09022015). Collection method: clinical testing. Allele origin: germline.
Comment: This sequence change falls in intron 20 of the SCN1A gene. It does not directly change the encoded amino acid sequence of the SCN1A protein. However, this sequence change falls within a region encompassing a cryptic exon in the SCN1A gene, in which variants have been shown to alter splicing (PMID: 30526861, 34107977). This variant is not present in population databases (gnomAD no frequency). This variant has not been reported in the literature in individuals affected with SCN1A-related conditions. ClinVar contains an entry for this variant (Variation ID: 2803709). Algorithms developed to predict the effect of sequence changes on RNA splicing suggest that this variant is not likely to affect RNA splicing. In summary, the available evidence is currently insufficient to determine the role of this variant in disease. Therefore, it has been classified as a Variant of Uncertain Significance.

Literature cited by the submitters: PubMed 30526861; PubMed 34107977.

NM_001165963.4(SCN1A):c.4002+2095C>T

Genes: SCN1A (sodium voltage-gated channel alpha subunit 1; minus strand), LOC102724058 (uncharacterized LOC102724058; plus strand). Cytogenetic location: 2q24.3.
Variant type: single nucleotide variant.
Coding change: c.4002+2095C>T on transcript NM_001165963.4 (MANE Select); 2095 bases into the intron after coding-DNA position 4002, C replaced by T.
Molecular consequence: intron variant.
Genome position (GRCh38, 1-based): chr2:166,007,624, G>A on the plus strand (C>T on the coding strand, the complement: SCN1A is on the minus strand). VCF-style: chr2-166007624-G-A. GRCh37 (hg19) VCF-style: chr2-166864134-G-A.
Other names: c.3969+2095C>T (NM_001353949.2, NM_001353950.2, NM_001353951.2 and 2 more transcripts); c.3918+2095C>T (NM_001353958.2, NM_001353957.2, NM_001165964.3); c.4002+2095C>T (NM_001202435.3, NM_001353948.2); c.3966+2095C>T (NM_001353955.2, NM_001353954.2); c.3915+2095C>T (NM_001353960.2); c.1560+2095C>T (NM_001353961.2).
Identifiers: ClinVar variation 2803709 (VCV002803709.3), dbSNP rs2468474401, ClinGen allele CA647543729.